The following is an entry in ClinVar:

NM_013432.5(TONSL):c.3059G>A (p.Arg1020His)

Gene: TONSL (tonsoku like, DNA repair protein; minus strand). Cytogenetic location: 8q24.3.
Variant type: single nucleotide variant.
Coding change: c.3059G>A on transcript NM_013432.5 (MANE Select); coding-DNA position 3059, G replaced by A.
Protein change: p.Arg1020His; replaces arginine 1020 with histidine.
Molecular consequence: missense variant.
Genome position (GRCh38, 1-based): chr8:144,434,837, C>T on the plus strand (G>A on the coding strand, the complement: TONSL is on the minus strand). VCF-style: chr8-144434837-C-T. GRCh37 (hg19) VCF-style: chr8-145660220-C-T.
Other names: short protein forms R1020H.
Identifiers: ClinVar variation 1401257 (VCV001401257.6), dbSNP rs570393427, ClinGen allele CA4942613.

ClinVar aggregate classification (germline): Uncertain significance (1 of 4 stars; one submission).

Allele frequency attached by ClinVar (database versions not stated): gnomAD 0.00001 and 0.00005; gnomAD exomes 0.00004 and 0.00009; ExAC 0.00008; 1000 Genomes Project 30x 0.00016; 1000 Genomes Project 0.00020.
gnomAD v4.1: 63 of 1,613,502 alleles (0.0039%); highest among the groups gnomAD compares: South Asian, 0.048%; no homozygotes.

Submission:

Labcorp Genetics (formerly Invitae), Labcorp
Classification: Uncertain significance. Last evaluated: 2023-10-23. Review status: criteria provided, single submitter. Criteria: Invitae Variant Classification Sherloc (09022015). Collection method: clinical testing. Allele origin: germline.
Comment: This sequence change replaces arginine, which is basic and polar, with histidine, which is basic and polar, at codon 1020 of the TONSL protein (p.Arg1020His). This variant is present in population databases (rs570393427, gnomAD 0.06%). This variant has not been reported in the literature in individuals affected with TONSL-related conditions. ClinVar contains an entry for this variant (Variation ID: 1401257). Advanced modeling of protein sequence and biophysical properties (such as structural, functional, and spatial information, amino acid conservation, physicochemical variation, residue mobility, and thermodynamic stability) performed at Invitae indicates that this missense variant is not expected to disrupt TONSL protein function with a negative predictive value of 80%. In summary, the available evidence is currently insufficient to determine the role of this variant in disease. Therefore, it has been classified as a Variant of Uncertain Significance.